The following is an entry in ClinVar:

ClinVar aggregate classification (germline): Likely pathogenic (0 of 4 stars; one submission).

Conditions:
Ornithine carbamoyltransferase deficiency (OTCD). Also called: OTC DEFICIENCY; Ornithine Carbamoyltransferase Deficiency Disease; ORNITHINE TRANSCARBAMYLASE DEFICIENCY; ORNITHINE TRANSCARBAMYLASE DEFICIENCY, HYPERAMMONEMIA DUE TO. Identifiers: Orphanet 664, MedGen C0268542, MONDO:0010703, OMIM 311250.

Submission:

Clinical Genetics Service, Universitary Hospital 12 de Octubre
Classification: Likely pathogenic for Ornithine carbamoyltransferase deficiency. Last evaluated: 2026-02-17. Review status: no assertion criteria provided. Collection method: clinical testing. Allele origin: unknown. Inheritance: X-linked inheritance. Affected: yes. Observed: 1 heterozygote.
Comment: The OTC variant c.81T>A, p.(Cys27*) is a single-nucleotide substitution that introduces a premature termination codon. This change is predicted to trigger nonsense-mediated mRNA decay (NMD) and, consequently, loss of function. To date, this variant has not been reported in population and clinical variant databases, nor been described in individuals with urea cycle disorders to date. Nevertheless, loss-of-function is an established mechanism of disease for OTC, and numerous truncating variants have been reported in affected individuals. Therefore, based on the predicted null effect and the current evidence, this variant is classified as likely pathogenic.

NM_000531.6(OTC):c.81T>A (p.Cys27Ter)

Gene: OTC (ornithine transcarbamylase; plus strand). Cytogenetic location: Xp11.4.
Variant type: single nucleotide variant.
Coding change: c.81T>A on transcript NM_000531.6 (MANE Select); coding-DNA position 81, T replaced by A.
Protein change: p.Cys27Ter; replaces cysteine 27 with a stop codon.
Molecular consequence: nonsense.
Genome position (GRCh38, 1-based): chrX:38,367,294, T>A. VCF-style: chrX-38367294-T-A. GRCh37 (hg19) VCF-style: chrX-38226547-T-A.
Other names: c.81T>A, p.Cys27Ter (NM_001407092.1); short protein forms C27*.
Identifiers: ClinVar variation 4795883 (VCV004795883.1).